The following is an entry in ClinVar:

NM_003793.4(CTSF):c.219T>C (p.Gly73=)

Gene: CTSF (cathepsin F; minus strand). Cytogenetic location: 11q13.2.
Variant type: single nucleotide variant.
Coding change: c.219T>C on transcript NM_003793.4 (MANE Select); coding-DNA position 219, T replaced by C.
Protein change: p.Gly73=; no amino-acid change (glycine 73 retained).
Molecular consequence: synonymous variant.
Genome position (GRCh38, 1-based): chr11:66,568,077, A>G on the plus strand (T>C on the coding strand, the complement: CTSF is on the minus strand). VCF-style: chr11-66568077-A-G. GRCh37 (hg19) VCF-style: chr11-66335548-A-G.
Identifiers: ClinVar variation 259169 (VCV000259169.28), dbSNP rs1127894, ClinGen allele CA6125671.
Genomic context (GRCh38, chr11:66,568,077, plus strand): 5'-CATGGGGTCGTTGCAGGGTGGCTCCTCCAGGGTGGCCTCCAGGGAGTACAGCGACCCCTG[A>G]CCCGCCTGGAGAGAGGAGTAGGTGAGGCGGGCACAGTCGGCCCTTGACGGCGCCCAAGGC-3'
Protein context (NP_003784.2, residues 63-83): GLVRGRVRRA[Gly73=]QGSLYSLEAT

ClinVar aggregate classification (germline): Benign. Review status: criteria provided, multiple submitters, no conflicts (2 of 4 stars). 12 submissions from 12 submitters: Benign (10). 2 of the submissions do not count toward it. Last evaluated 2026-02-04.

Conditions:
Neuronal ceroid lipofuscinosis 13 (CLN13). Also called: CEROID LIPOFUSCINOSIS, NEURONAL, 13 (KUFS TYPE); CLN13 Disease. Identifiers: Orphanet 352709, Orphanet 79262, MedGen C3715049, MONDO:0014147, OMIM 615362.
Inborn genetic diseases. Identifiers: MedGen C0950123, MeSH D030342.

Allele frequency attached by ClinVar (database versions not stated): 1000 Genomes Project 0.58267; 1000 Genomes Project 30x 0.59541; TOPMed 0.60632; gnomAD 0.61031 and 0.62142.

Submissions (12):

Labcorp Genetics (formerly Invitae), Labcorp
Classification: Benign for Neuronal ceroid lipofuscinosis 13. Last evaluated: 2026-02-04. Review status: criteria provided, single submitter. Criteria: Invitae Variant Classification Sherloc (09022015). Collection method: clinical testing. Allele origin: germline.

Blueprint Genetics
Classification: Benign. Last evaluated: 2024-11-27. Review status: criteria provided, single submitter. Criteria: ACMG Guidelines, 2015. Collection method: clinical testing. Allele origin: germline.

Women's Health and Genetics/Laboratory Corporation of America, LabCorp
Classification: Benign. Last evaluated: 2021-12-03. Review status: criteria provided, single submitter. Criteria: LabCorp Variant Classification Summary - May 2015. Collection method: clinical testing. Allele origin: germline.

Genome-Nilou Lab
Classification: Benign for Neuronal ceroid lipofuscinosis 13. Last evaluated: 2021-07-30. Review status: criteria provided, single submitter. Criteria: ACMG Guidelines, 2015. Collection method: clinical testing. Allele origin: germline. Affected: no.

GeneDx
Classification: Benign. Last evaluated: 2018-06-13. Review status: criteria provided, single submitter. Criteria: GeneDx Variant Classification (06012015). Collection method: clinical testing. Allele origin: germline. Affected: yes.
Comment: This variant is considered likely benign or benign based on one or more of the following criteria: it is a conservative change, it occurs at a poorly conserved position in the protein, it is predicted to be benign by multiple in silico algorithms, and/or has population frequency not consistent with disease.

Athena Diagnostics
Classification: Benign. Last evaluated: 2017-04-20. Review status: criteria provided, single submitter. Criteria: Athena Diagnostics Criteria. Collection method: clinical testing. Allele origin: germline.

Ambry Genetics
Classification: Benign for Inborn genetic diseases. Last evaluated: 2016-01-08. Review status: criteria provided, single submitter. Criteria: Ambry Variant Classification Scheme 2023. Collection method: clinical testing. Allele origin: germline.

Clinical Genetics DNA and cytogenetics Diagnostics Lab, Erasmus MC, Erasmus Medical Center
Classification: Benign for Neuronal ceroid lipofuscinosis 13. Last evaluated: 2015-09-21. Review status: criteria provided, single submitter. Criteria: ACGS Guidelines, 2013. Collection method: clinical testing. Allele origin: germline. Affected: yes. Study: VKGL Data-share Consensus.

Breakthrough Genomics
Classification: Benign. Review status: criteria provided, single submitter. Criteria: ACMG Guidelines, 2015. Collection method: not provided. Allele origin: germline. Inheritance: Autosomal recessive inheritance. Affected: yes.

PreventionGenetics, part of Exact Sciences
Classification: Benign. Review status: criteria provided, single submitter. Criteria: ACMG Guidelines, 2015. Collection method: clinical testing. Allele origin: germline.

Genome Diagnostics Laboratory, Amsterdam University Medical Center
Classification: Benign for Neuronal ceroid lipofuscinosis 13. Last evaluated: 2016-04-22. Review status: no assertion criteria provided. Criteria: ACGS Guidelines, 2013. Collection method: clinical testing. Allele origin: germline. Affected: yes. Study: VKGL Data-share Consensus. Not counted in ClinVar's aggregate classification.

Mayo Clinic Laboratories, Mayo Clinic
Classification: Benign. Last evaluated: 2015-10-22. Review status: no assertion criteria provided. Collection method: clinical testing. Allele origin: unknown. Not counted in ClinVar's aggregate classification.